The following is an entry in ClinVar:

NM_004462.5(FDFT1):c.201C>T (p.Asn67=)

Gene: FDFT1 (farnesyl-diphosphate farnesyltransferase 1). Cytogenetic location: 8p23.1.
Variant type: single nucleotide variant.
Coding change: c.201C>T on transcript NM_004462.5 (MANE Select); coding-DNA position 201, C replaced by T.
Protein change: p.Asn67=; no amino-acid change (asparagine 67 retained).
Molecular consequence: synonymous variant. On other transcripts: 5 prime UTR variant (1), intron variant (1).
Genome position (GRCh38, 1-based): chr8:11,809,670, C>T. VCF-style: chr8-11809670-C-T. GRCh37 (hg19) VCF-style: chr8-11667179-C-T.
Other names: c.201C>T, p.Asn67= (NM_001287742.2, NM_001287743.2); c.9C>T, p.Asn3= (NM_001287744.2, NM_001287745.2, NM_001287747.2 and 2 more transcripts); c.378C>T, p.Asn126= (NM_001287750.2); c.-55C>T (NM_001287751.2); c.64+6760C>T (NM_001287756.2).
Identifiers: ClinVar variation 3059443 (VCV003059443.2), dbSNP rs8417, ClinGen allele CA4631696.

ClinVar aggregate classification (germline): Benign (0 of 4 stars; one submission).

Conditions:
FDFT1-related disorder. Also called: FDFT1-related condition.

Allele frequency attached by ClinVar (database versions not stated): ESP Exome Variant Server 0.16654; TOPMed 0.18444; ExAC 0.22420; 1000 Genomes Project 30x 0.22939; 1000 Genomes Project 0.23782.
gnomAD v4.1: 323,064 of 1,603,378 alleles (20%); highest among the groups gnomAD compares: East Asian, 43%; 34,819 homozygotes.

Submission:

PreventionGenetics, part of Exact Sciences
Classification: Benign for FDFT1-related condition. Last evaluated: 2019-10-21. Review status: no assertion criteria provided. Collection method: clinical testing. Allele origin: germline.
Comment: This variant is classified as benign based on ACMG/AMP sequence variant interpretation guidelines (Richards et al. 2015 PMID: 25741868, with internal and published modifications).